The following is an entry in ClinVar:

ClinVar aggregate classification (germline): Uncertain significance (1 of 4 stars; one submission).

Conditions:
Fanconi anemia (FA). Also called: Fanconi's anemia. Identifiers: Orphanet 84, MedGen C0015625, MeSH D005199, MONDO:0019391.

Submission:

Labcorp Genetics (formerly Invitae), Labcorp
Classification: Uncertain significance for Fanconi anemia. Last evaluated: 2024-02-05. Review status: criteria provided, single submitter. Criteria: Invitae Variant Classification Sherloc (09022015). Collection method: clinical testing. Allele origin: germline.
Comment: This sequence change replaces arginine, which is basic and polar, with tryptophan, which is neutral and slightly polar, at codon 1299 of the SLX4 protein (p.Arg1299Trp). This variant is not present in population databases (gnomAD no frequency). This variant has not been reported in the literature in individuals affected with SLX4-related conditions. An algorithm developed to predict the effect of missense changes on protein structure and function (PolyPhen-2) suggests that this variant is likely to be disruptive. In summary, the available evidence is currently insufficient to determine the role of this variant in disease. Therefore, it has been classified as a Variant of Uncertain Significance.

NM_032444.4(SLX4):c.3895A>T (p.Arg1299Trp)

Gene: SLX4 (SLX4 structure-specific endonuclease subunit; minus strand). Cytogenetic location: 16p13.3.
Variant type: single nucleotide variant.
Coding change: c.3895A>T on transcript NM_032444.4 (MANE Select); coding-DNA position 3895, A replaced by T.
Protein change: p.Arg1299Trp; replaces arginine 1299 with tryptophan.
Molecular consequence: missense variant.
Genome position (GRCh38, 1-based): chr16:3,589,743, T>A on the plus strand (A>T on the coding strand, the complement: SLX4 is on the minus strand). VCF-style: chr16-3589743-T-A. GRCh37 (hg19) VCF-style: chr16-3639744-T-A.
Other names: short protein forms R1299W.
Identifiers: ClinVar variation 3703442 (VCV003703442.2).